The following is an entry in ClinVar:

ClinVar aggregate classification (germline): Uncertain significance. Review status: criteria provided, multiple submitters, no conflicts (2 of 4 stars). 3 submissions from 3 submitters: Uncertain significance (3). Last evaluated 2022-07-13.

Conditions:
Inborn genetic diseases. Identifiers: MedGen C0950123, MeSH D030342.
Charcot-Marie-Tooth disease type 4. Also called: Charcot-Marie-Tooth disease, type IV; Charcot-Marie-Tooth, Type 4. Identifiers: Orphanet 64749, MedGen C4082197, MONDO:0018995.

gnomAD v4.1: 50 of 1,613,962 alleles (0.0031%); highest among the groups gnomAD compares: Non-Finnish European, 0.0041%; no homozygotes.

Submissions (3):

Labcorp Genetics (formerly Invitae), Labcorp
Classification: Uncertain significance for Charcot-Marie-Tooth disease type 4. Last evaluated: 2022-07-13. Review status: criteria provided, single submitter. Criteria: Invitae Variant Classification Sherloc (09022015). Collection method: clinical testing. Allele origin: germline.
Comment: This sequence change replaces glycine, which is neutral and non-polar, with valine, which is neutral and non-polar, at codon 278 of the SH3TC2 protein (p.Gly278Val). This variant is present in population databases (rs757292503, gnomAD 0.004%). This variant has not been reported in the literature in individuals affected with SH3TC2-related conditions. ClinVar contains an entry for this variant (Variation ID: 838810). Advanced modeling of protein sequence and biophysical properties (such as structural, functional, and spatial information, amino acid conservation, physicochemical variation, residue mobility, and thermodynamic stability) performed at Invitae indicates that this missense variant is not expected to disrupt SH3TC2 protein function. Algorithms developed to predict the effect of sequence changes on RNA splicing suggest that this variant may create or strengthen a splice site. In summary, the available evidence is currently insufficient to determine the role of this variant in disease. Therefore, it has been classified as a Variant of Uncertain Significance.

GeneDx
Classification: Uncertain significance. Last evaluated: 2022-04-11. Review status: criteria provided, single submitter. Criteria: GeneDx Variant Classification Process June 2021. Collection method: clinical testing. Allele origin: germline. Affected: yes.
Comment: Not observed at significant frequency in large population cohorts (gnomAD); In silico analysis supports that this missense variant does not alter protein structure/function; Has not been previously published as pathogenic or benign to our knowledge

Ambry Genetics
Classification: Uncertain significance for Inborn genetic diseases. Last evaluated: 2020-11-13. Review status: criteria provided, single submitter. Criteria: Ambry Variant Classification Scheme 2023. Collection method: clinical testing. Allele origin: germline.
Comment: The p.G278V variant (also known as c.833G>T), located in coding exon 8 of the SH3TC2 gene, results from a G to T substitution at nucleotide position 833. The glycine at codon 278 is replaced by valine, an amino acid with dissimilar properties. This amino acid position is poorly conserved in available vertebrate species. In addition, this alteration is predicted to be tolerated by in silico analysis. Since supporting evidence is limited at this time, the clinical significance of this alteration remains unclear.

NM_024577.4(SH3TC2):c.833G>T (p.Gly278Val)

Gene: SH3TC2 (SH3 domain and tetratricopeptide repeats 2; minus strand). Cytogenetic location: 5q32.
Variant type: single nucleotide variant.
Coding change: c.833G>T on transcript NM_024577.4 (MANE Select); coding-DNA position 833, G replaced by T.
Protein change: p.Gly278Val; replaces glycine 278 with valine.
Molecular consequence: missense variant.
Genome position (GRCh38, 1-based): chr5:149,038,463, C>A on the plus strand (G>T on the coding strand, the complement: SH3TC2 is on the minus strand). VCF-style: chr5-149038463-C-A. GRCh37 (hg19) VCF-style: chr5-148418026-C-A.
Other names: short protein forms G278V.
Identifiers: ClinVar variation 838810 (VCV000838810.10), dbSNP rs757292503, ClinGen allele CA3499367.
Genomic context (GRCh38, chr5:149,038,463, plus strand): 5'-ATGATCTCAATGCTTTCTCCCTGGTAGAAATTCAGTTCATCCTTTTCTCCTGGCTCATAA[C>A]CCGTCAAGGCCTTACAGCGTCCTCTGCCTGTGGAAAATAGCACACAGATCAGCTACAGAA-3'
Protein context (NP_078853.2, residues 268-288): IGRGRCKALT[Gly278Val]YEPGEKDELN